The following is an entry in ClinVar:

ClinVar aggregate classification (germline): Conflicting classifications of pathogenicity. Review status: criteria provided, conflicting classifications (1 of 4 stars). 6 submissions from 6 submitters: Uncertain significance (1); Benign (1); Likely benign (4). Last evaluated 2025-09-20.

Conditions:
Hereditary cancer-predisposing syndrome. Also called: Neoplastic Syndromes, Hereditary; Hereditary neoplastic syndrome; Tumor predisposition; Hereditary Cancer Syndrome. Identifiers: Orphanet 140162, MedGen C0027672, MeSH D009386, MONDO:0015356.
Tuberous sclerosis syndrome (TSC). Also called: Tuberous Sclerosis Complex; Tuberous sclerosis. Identifiers: Orphanet 805, MedGen C0041341, MONDO:0001734.
Tuberous sclerosis 2 (TSC2). Identifiers: Orphanet 805, MedGen C1860707, MONDO:0013199, OMIM 613254.

Allele frequency attached by ClinVar (database versions not stated): gnomAD exomes 0.00002.
gnomAD v4.1: 31 of 1,612,860 alleles (0.0019%); highest among the groups gnomAD compares: East Asian, 0.069%; no homozygotes.

Submissions (6):

Labcorp Genetics (formerly Invitae), Labcorp
Classification: Likely benign for Tuberous sclerosis 2. Last evaluated: 2025-09-20. Review status: criteria provided, single submitter. Criteria: Invitae Variant Classification Sherloc (09022015). Collection method: clinical testing. Allele origin: germline.

Myriad Genetics, Inc.
Classification: Benign for Tuberous sclerosis 2. Last evaluated: 2025-06-06. Review status: criteria provided, single submitter. Criteria: Myriad Autosomal Dominant, Autosomal Recessive and X-Linked Classification Criteria (2023). Collection method: clinical testing. Allele origin: unknown.
Comment: This variant is considered benign. This variant is a silent/synonymous amino acid change and it is not expected to impact splicing.

All of Us Research Program, National Institutes of Health
Classification: Likely benign for Tuberous sclerosis syndrome. Last evaluated: 2024-09-23. Review status: criteria provided, single submitter. Criteria: ACMG Guidelines, 2015. Collection method: clinical testing. Allele origin: germline. Inheritance: Autosomal dominant inheritance. Observed: 2 variant alleles, 2 heterozygotes.
Comment: This study involves interpretation of variants in research participants for the purpose of population health screening. Participant phenotype was not available at the time of variant classification. Additional details can be found in publication PMID: 35346344, PMCID: PMC8962531

Genome-Nilou Lab
Classification: Likely benign for Tuberous sclerosis 2. Last evaluated: 2021-11-07. Review status: criteria provided, single submitter. Criteria: ACMG Guidelines, 2015. Collection method: clinical testing. Allele origin: germline. Affected: no.

Illumina Laboratory Services, Illumina
Classification: Uncertain significance for Tuberous sclerosis syndrome. Last evaluated: 2018-01-12. Review status: criteria provided, single submitter. Criteria: ICSL Variant Classification Criteria 13 December 2019. Collection method: clinical testing. Allele origin: germline.

Ambry Genetics
Classification: Likely benign for Hereditary cancer-predisposing syndrome. Last evaluated: 2016-04-05. Review status: criteria provided, single submitter. Criteria: Ambry Variant Classification Scheme 2023. Collection method: clinical testing. Allele origin: germline.

NM_000548.5(TSC2):c.5301G>C (p.Leu1767=)

Gene: TSC2 (TSC complex subunit 2; plus strand). Cytogenetic location: 16p13.3.
Variant type: single nucleotide variant.
Coding change: c.5301G>C on transcript NM_000548.5 (MANE Select); coding-DNA position 5301, G replaced by C.
Protein change: p.Leu1767=; no amino-acid change (leucine 1767 retained).
Molecular consequence: synonymous variant.
Genome position (GRCh38, 1-based): chr16:2,088,487, G>C. VCF-style: chr16-2088487-G-C. GRCh37 (hg19) VCF-style: chr16-2138488-G-C.
Other names: c.5100G>C, p.Leu1700= (NM_001077183.3); c.5232G>C, p.Leu1744= (NM_001114382.3); c.4992G>C, p.Leu1664= (NM_001318827.2); c.4956G>C, p.Leu1652= (NM_001318829.2); c.4569G>C, p.Leu1523= (NM_001318831.2); c.5133G>C, p.Leu1711= (NM_001318832.2); c.5103G>C, p.Leu1701= (NM_001363528.2); c.5169G>C, p.Leu1723= (NM_001370404.1); and 2 more.
Identifiers: ClinVar variation 318337 (VCV000318337.23), dbSNP rs886051798, ClinGen allele CA10637336.